The following is an entry in ClinVar:

ClinVar aggregate classification (germline): Uncertain significance (1 of 4 stars; one submission).

Conditions:
Anauxetic dysplasia. Identifiers: Orphanet 93347, MedGen C1846796, MONDO:0011773.

Submission:

Labcorp Genetics (formerly Invitae), Labcorp
Classification: Uncertain significance for Anauxetic dysplasia. Last evaluated: 2023-09-13. Review status: criteria provided, single submitter. Criteria: Invitae Variant Classification Sherloc (09022015). Collection method: clinical testing. Allele origin: germline.
Comment: In summary, the available evidence is currently insufficient to determine the role of this variant in disease. Therefore, it has been classified as a Variant of Uncertain Significance. Experimental studies and prediction algorithms are not available or were not evaluated, and the functional significance of this variant is currently unknown. This variant has not been reported in the literature in individuals affected with RMRP-related conditions. This variant is not present in population databases (gnomAD no frequency). This variant occurs in the RMRP gene, which encodes an RNA molecule that does not result in a protein product.

NR_003051.4(RMRP):n.201T>C

Gene: RMRP (RNA component of mitochondrial RNA processing endoribonuclease; minus strand). Cytogenetic location: 9p13.3.
Variant type: single nucleotide variant.
Molecular consequence: non-coding transcript variant (on NR_003051.4).
Genome position: GRCh38 VCF-style: chr9-35657819-A-G. GRCh37 (hg19) VCF-style: chr9-35657816-A-G.
Identifiers: ClinVar variation 2912944 (VCV002912944.3), dbSNP rs779796897, ClinGen allele CA192745569.